The following is an entry in ClinVar:

ClinVar aggregate classification (germline): Benign (1 of 4 stars; one submission).

Allele frequency attached by ClinVar (database versions not stated): 1000 Genomes Project 30x 0.33963; 1000 Genomes Project 0.34205; TOPMed 0.39780; gnomAD 0.39886 and 0.39940.
gnomAD v4.1: 60,568 of 151,720 alleles (40%); highest among the groups gnomAD compares: Admixed American, 51%; 13,337 homozygotes.

Submission:

GeneDx
Classification: Benign. Last evaluated: 2018-06-18. Review status: criteria provided, single submitter. Criteria: GeneDx Variant Classification (06012015). Collection method: clinical testing. Allele origin: germline. Affected: yes.
Comment: This variant is considered likely benign or benign based on one or more of the following criteria: it is a conservative change, it occurs at a poorly conserved position in the protein, it is predicted to be benign by multiple in silico algorithms, and/or has population frequency not consistent with disease.

NM_001035.3(RYR2):c.4683+265C>T

Gene: RYR2 (ryanodine receptor 2; plus strand). Cytogenetic location: 1q43.
Variant type: single nucleotide variant.
Coding change: c.4683+265C>T on transcript NM_001035.3 (MANE Select); 265 bases into the intron after coding-DNA position 4683, C replaced by T.
Molecular consequence: intron variant.
Genome position (GRCh38, 1-based): chr1:237,602,376, C>T. VCF-style: chr1-237602376-C-T. GRCh37 (hg19) VCF-style: chr1-237765676-C-T.
Identifiers: ClinVar variation 683785 (VCV000683785.1), dbSNP rs1412707, ClinGen allele CA10934856.